The following is an entry in ClinVar:

ClinVar aggregate classification (germline): Uncertain significance (1 of 4 stars; one submission).

gnomAD v4.1: 1 of 1,599,292 alleles (0.000063%); highest among the groups gnomAD compares: Non-Finnish European, 0.000085%; no homozygotes.

Submission:

Labcorp Genetics (formerly Invitae), Labcorp
Classification: Uncertain significance. Last evaluated: 2024-05-02. Review status: criteria provided, single submitter. Criteria: Invitae Variant Classification Sherloc (09022015). Collection method: clinical testing. Allele origin: germline.
Comment: This sequence change replaces serine, which is neutral and polar, with leucine, which is neutral and non-polar, at codon 614 of the NEFH protein (p.Ser614Leu). This variant is not present in population databases (gnomAD no frequency). This variant has not been reported in the literature in individuals affected with NEFH-related conditions. Advanced modeling of protein sequence and biophysical properties (such as structural, functional, and spatial information, amino acid conservation, physicochemical variation, residue mobility, and thermodynamic stability) performed at Invitae indicates that this missense variant is not expected to disrupt NEFH protein function with a negative predictive value of 95%. In summary, the available evidence is currently insufficient to determine the role of this variant in disease. Therefore, it has been classified as a Variant of Uncertain Significance.

NM_021076.4(NEFH):c.1841C>T (p.Ser614Leu)

Gene: NEFH (neurofilament heavy chain; plus strand). Cytogenetic location: 22q12.2.
Variant type: single nucleotide variant.
Coding change: c.1841C>T on transcript NM_021076.4 (MANE Select); coding-DNA position 1841, C replaced by T.
Protein change: p.Ser614Leu; replaces serine 614 with leucine.
Molecular consequence: missense variant.
Genome position (GRCh38, 1-based): chr22:29,489,481, C>T. VCF-style: chr22-29489481-C-T. GRCh37 (hg19) VCF-style: chr22-29885470-C-T.
Other names: short protein forms S614L.
Identifiers: ClinVar variation 3620569 (VCV003620569.2).